The following is an entry in ClinVar:

ClinVar aggregate classification (germline): Uncertain significance (1 of 4 stars; one submission).

Conditions:
TSHZ1-related disorder. Also called: TSHZ1-related condition.

gnomAD v4.1: 54 of 1,197,678 alleles (0.0045%); highest among the groups gnomAD compares: Non-Finnish European, 0.0041%; no homozygotes.

Submission:

PreventionGenetics, part of Exact Sciences
Classification: Uncertain significance for TSHZ1-related condition. Last evaluated: 2026-06-04. Review status: criteria provided, single submitter. Criteria: ACMG Guidelines, 2015. Collection method: clinical testing. Allele origin: germline.
Comment: The TSHZ1 c.23C>T variant is predicted to result in the amino acid substitution p.Ala8Val. To our knowledge, this variant has not been reported in the literature. This variant is reported in 0.035% of alleles in individuals of European (Finnish) descent in gnomAD. Although we suspect that this variant may be benign, at this time, the clinical significance of this variant is uncertain due to the absence of conclusive functional and genetic evidence.

NM_001308210.2(TSHZ1):c.23C>T (p.Ala8Val)

Genes: TSHZ1 (teashirt zinc finger homeobox 1; plus strand), LOC130062726 (ATAC-STARR-seq lymphoblastoid silent region 9549; plus strand). Cytogenetic location: 18q22.3.
Variant type: single nucleotide variant.
Coding change: c.23C>T on transcript NM_001308210.2 (MANE Select); coding-DNA position 23, C replaced by T.
Protein change: p.Ala8Val; replaces alanine 8 with valine.
Molecular consequence: missense variant. On other transcripts: intron variant (1).
Genome position (GRCh38, 1-based): chr18:75,211,899, C>T. VCF-style: chr18-75211899-C-T. GRCh37 (hg19) VCF-style: chr18-72923854-C-T.
Other names: c.-96+656C>T (NM_005786.6); short protein forms A8V.
Identifiers: ClinVar variation 5002253 (VCV005002253.1).